The following is an entry in ClinVar:

ClinVar aggregate classification (germline): Likely benign (1 of 4 stars; one submission).

gnomAD v4.1: 153 of 1,613,954 alleles (0.0095%); highest among the groups gnomAD compares: Non-Finnish European, 0.013%; no homozygotes.

Submission:

CeGaT Center for Human Genetics Tuebingen
Classification: Likely benign. Last evaluated: 2025-07-01. Review status: criteria provided, single submitter. Criteria: CeGaT Center For Human Genetics Tuebingen Variant Classification Criteria Version 2. Collection method: clinical testing. Allele origin: germline. Affected: yes. Observed: 1 variant allele.
Comment: MRNIP: BP4, BP7

NM_016175.4(MRNIP):c.723T>C (p.His241=)

Genes: MRNIP (MRN complex interacting protein; minus strand), SQSTM1 (sequestosome 1; plus strand). Cytogenetic location: 5q35.3.
Variant type: single nucleotide variant.
Coding change: c.723T>C on transcript NM_016175.4 (MANE Select); coding-DNA position 723, T replaced by C.
Protein change: p.His241=; no amino-acid change (histidine 241 retained).
Molecular consequence: synonymous variant. On other transcripts: 3 prime UTR variant (3).
Genome position (GRCh38, 1-based): chr5:179,837,700, A>G on the plus strand (T>C on the coding strand, the complement: MRNIP is on the minus strand). VCF-style: chr5-179837700-A-G. GRCh37 (hg19) VCF-style: chr5-179264700-A-G.
Other names: c.558T>C, p.His186= (NM_001017987.3); c.*1107A>G (NM_001142298.2, NM_001142299.2, NM_003900.5).
Identifiers: ClinVar variation 4084308 (VCV004084308.8).